The following is an entry in ClinVar:

ClinVar aggregate classification (germline): Uncertain significance (1 of 4 stars; one submission).

gnomAD v4.1: 3 of 1,614,128 alleles (0.00019%); highest among the groups gnomAD compares: Non-Finnish European, 0.00025%; no homozygotes.

Submission:

Ambry Genetics
Classification: Uncertain significance. Last evaluated: 2022-05-18. Review status: criteria provided, single submitter. Criteria: Ambry Variant Classification Scheme 2023. Collection method: clinical testing. Allele origin: germline.
Comment: The p.G28S variant (also known as c.82G>A), located in coding exon 2 of the RAD54L gene, results from a G to A substitution at nucleotide position 82. The glycine at codon 28 is replaced by serine, an amino acid with similar properties. This amino acid position is conserved. In addition, this alteration is predicted to be tolerated by in silico analysis. Since supporting evidence is limited at this time, the clinical significance of this alteration remains unclear.

NM_003579.4(RAD54L):c.82G>A (p.Gly28Ser)

Gene: RAD54L (RAD54 like; plus strand). Cytogenetic location: 1p34.1.
Variant type: single nucleotide variant.
Coding change: c.82G>A on transcript NM_003579.4 (MANE Select); coding-DNA position 82, G replaced by A.
Protein change: p.Gly28Ser; replaces glycine 28 with serine.
Molecular consequence: missense variant. On other transcripts: 5 prime UTR variant (1).
Genome position (GRCh38, 1-based): chr1:46,248,590, G>A. VCF-style: chr1-46248590-G-A. GRCh37 (hg19) VCF-style: chr1-46714262-G-A.
Other names: c.82G>A, p.Gly28Ser (NM_001142548.2); c.-459G>A (NM_001370766.1); short protein forms G28S.
Identifiers: ClinVar variation 1762823 (VCV001762823.2), dbSNP rs2525626937, ClinGen allele CA340174798.